The following is an entry in ClinVar:

ClinVar aggregate classification (germline): Pathogenic (1 of 4 stars; one submission).

Conditions:
Spastic paraplegia. Identifiers: MedGen C0037772, HP:0001258.

Submission:

Labcorp Genetics (formerly Invitae), Labcorp
Classification: Pathogenic for Spastic paraplegia. Last evaluated: 2023-10-24. Review status: criteria provided, single submitter. Criteria: Invitae Variant Classification Sherloc (09022015). Collection method: clinical testing. Allele origin: germline.
Comment: This sequence change creates a premature translational stop signal (p.Lys167Argfs*17) in the KIF5A gene. It is expected to result in an absent or disrupted protein product. Loss-of-function variants in KIF5A are known to be pathogenic (PMID: 26374131). This variant is not present in population databases (gnomAD no frequency). This variant has not been reported in the literature in individuals affected with KIF5A-related conditions. For these reasons, this variant has been classified as Pathogenic.

Literature cited by the submitters: PubMed 26374131.

NM_004984.4(KIF5A):c.500del (p.Lys167fs)

Gene: KIF5A (kinesin family member 5A; plus strand). Cytogenetic location: 12q13.3.
Variant type: Deletion.
Coding change: c.500del on transcript NM_004984.4 (MANE Select); coding-DNA position 500, one base deleted (A; older notation c.500delA).
Protein change: p.Lys167fs; shifts the reading frame from lysine 167.
Molecular consequence: frameshift variant.
Genome position (GRCh38, 1-based): chr12:57,564,972, A deleted; the last of 2 consecutive A bases (chr12:57,564,971-57,564,972); deleting either gives the same sequence. VCF-style (leftmost placement, unchanged base first): chr12-57564970-CA-C. GRCh37 (hg19) VCF-style: chr12-57958753-CA-C.
Other names: c.233del, p.Lys78fs (NM_001354705.2); short protein forms K167fs, K78fs.
Identifiers: ClinVar variation 2770862 (VCV002770862.3), dbSNP rs2540494891, ClinGen allele CA2697559303.